The following is an entry in ClinVar:

ClinVar aggregate classification (germline): Pathogenic/Likely pathogenic. Review status: criteria provided, multiple submitters, no conflicts (2 of 4 stars). 11 submissions from 11 submitters: Pathogenic (7); Likely pathogenic (2). 2 of the submissions do not count toward it. Last evaluated 2026-01-13.

Conditions:
Cardiovascular phenotype. Identifiers: MedGen CN230736.
Myofibrillar myopathy 6. Identifiers: Orphanet 199340, MedGen C2751831, MONDO:0013061, OMIM 612954.
Dilated cardiomyopathy 1HH (CMD1HH). Identifiers: Orphanet 154, MedGen C3151293, MONDO:0013479, OMIM 613881.
Primary dilated cardiomyopathy (DCM). Also called: Dilated Cardiomyopathy. Identifiers: Orphanet 217604, MedGen C0007193, MeSH D002311, MONDO:0005021, HP:0001644. Inheritance: Various modes of inheritance.

Allele frequency attached by ClinVar (database versions not stated): gnomAD exomes 0.00001 and below 0.00001; 1000 Genomes Project 0.00020; TOPMed 0.00001; gnomAD 0.00001; ExAC 0.00002; 1000 Genomes Project 30x 0.00016.
gnomAD v4.1: 5 of 1,614,238 alleles (0.00031%); highest among the groups gnomAD compares: Non-Finnish European, 0.00034%; no homozygotes.

Submissions (11):

Labcorp Genetics (formerly Invitae), Labcorp
Classification: Pathogenic for Dilated cardiomyopathy 1HH; Myofibrillar myopathy 6. Last evaluated: 2026-01-13. Review status: criteria provided, single submitter. Criteria: Invitae Variant Classification Sherloc (09022015). Collection method: clinical testing. Allele origin: germline.
Comment: This sequence change creates a premature translational stop signal (p.Arg123*) in the BAG3 gene. It is expected to result in an absent or disrupted protein product. Loss-of-function variants in BAG3 are known to be pathogenic (PMID: 21353195, 25008357). This variant is present in population databases (rs387906875, gnomAD 0.002%). This premature translational stop signal has been observed in individual(s) with dilated cardiomyopathy (PMID: 21353195, 25008357). ClinVar contains an entry for this variant (Variation ID: 30397). For these reasons, this variant has been classified as Pathogenic.

Ambry Genetics
Classification: Pathogenic for Cardiovascular phenotype. Last evaluated: 2025-10-27. Review status: criteria provided, single submitter. Criteria: Ambry Variant Classification Scheme 2023. Collection method: clinical testing. Allele origin: germline.
Comment: The p.R123* pathogenic mutation (also known as c.367C>T), located in coding exon 2 of the BAG3 gene, results from a C to T substitution at nucleotide position 367. This changes the amino acid from an arginine to a stop codon within coding exon 2. This variant was reported in individual(s) with features consistent with dilated cardiomyopathy (DCM) (Norton N et al. Am J Hum Genet. 2011;88(3):273-82; Janin A et al. Clin. Genet., 2017. Dec;92(6):616-23; Ambry internal data). This alteration is expected to result in loss of function by premature protein truncation or nonsense-mediated mRNA decay. As such, this alteration is interpreted as a disease-causing mutation.

GeneDx
Classification: Pathogenic. Last evaluated: 2024-06-13. Review status: criteria provided, single submitter. Criteria: GeneDx Variant Classification Process June 2021. Collection method: clinical testing. Allele origin: germline. Affected: yes.
Comment: Reported in association with DCM (PMID: 21353195, 28436997); Nonsense variant predicted to result in protein truncation or nonsense mediated decay in a gene for which loss of function is a known mechanism of disease; Not observed at significant frequency in large population cohorts (gnomAD); This variant is associated with the following publications: (PMID: 36264615, 37652022, 36396199, 36129056, 28724793, 25008357, 21459883, 24623017, 24558114, 34935411, 34758253, 25525159, 25728519, 28436997, 25448463, 27391596, 31514951, 32859500, 35653365, 33996946, 31983221, 21353195)

Dasa
Classification: Pathogenic for Dilated cardiomyopathy 1HH. Last evaluated: 2022-11-03. Review status: criteria provided, single submitter. Criteria: ACMG Guidelines, 2015. Collection method: clinical testing. Allele origin: germline. Observed: 1 variant allele.
Comment: The c.367C>T;p.Arg123* variant creates a premature translational stop signal in the BAG3 gene. It is expected to result in an absent or disrupted protein product - PVS1. This sequence change has been observed in affected individual(s) and ClinVar contains an entry for this variant (ClinVar ID: 30397; PMID: 28436997) - PS4. The variant is present at low allele frequencies population databases (rs387906875 – gnomAD 0.00007955%; ABraOM no frequency) - PM2_supporting. In summary, the currently available evidence indicates that the variant is pathogenic.

Victorian Clinical Genetics Services, Murdoch Childrens Research Institute
Classification: Pathogenic for Dilated cardiomyopathy 1HH. Last evaluated: 2022-09-02. Review status: criteria provided, single submitter. Criteria: ACMG Guidelines, 2015. Collection method: clinical testing. Allele origin: germline. Inheritance: Autosomal dominant inheritance. Affected: yes.
Comment: Based on the classification scheme VCGS_Germline_v1.3.4, this variant is classified as Pathogenic. Following criteria are met: 0103 - Loss of function and gain of function are known mechanisms of disease in this gene and are associated with dilated cardiomyopathy, 1HH (MIM#613881) and myofibrillar myopathy, 6 (MIM#612954). Variants resulting in a premature stop codon are reported to have a loss of function mechanism, whereas missense variants have a gain of function effect (PMID: 27321750). (I) 0107 - This gene is associated with autosomal dominant disease. (I) 0112 - The condition associated with this gene has incomplete penetrance (PMIDs: 30442290, 33989081). (I) 0201 - Variant is predicted to cause nonsense-mediated decay (NMD) and loss of protein (premature termination codon is located at least 54 nucleotides upstream of the final exon-exon junction). (SP) 0251 - This variant is heterozygous. (I) 0302 - Variant is present in gnomAD (v2) <0.001 for a dominant condition (2 heterozygotes, 0 homozygotes). (SP) 0701 - Other NMD-predicted variants comparable to the one identified in this case have very strong previous evidence for pathogenicity (DECIPHER). (SP) 0801 - This variant has strong previous evidence of pathogenicity in unrelated individuals. This variant has been reported many times as pathogenic and likely pathogenic, and consistently observed in individuals with dilated cardiomyopathy (ClinVar, PMID: 34935411). (I) Legend: (SP) - Supporting pathogenic, (I) - Information, (SB) - Supporting benign

Fulgent Genetics
Classification: Pathogenic for Myofibrillar myopathy 6; Dilated cardiomyopathy 1HH. Last evaluated: 2018-10-31. Review status: criteria provided, single submitter. Criteria: ACMG Guidelines, 2015. Collection method: clinical testing. Allele origin: unknown.

Stanford Center for Inherited Cardiovascular Disease, Stanford University
Classification: Likely pathogenic. Last evaluated: 2018-01-29. Review status: criteria provided, single submitter. Criteria: ACMG Guidelines, 2015. Collection method: provider interpretation. Allele origin: germline.

Laboratory for Molecular Medicine, Mass General Brigham Personalized Medicine
Classification: Likely pathogenic for Primary dilated cardiomyopathy. Last evaluated: 2017-01-27. Review status: criteria provided, single submitter. Criteria: LMM Criteria. Collection method: clinical testing. Allele origin: germline. Inheritance: Autosomal dominant inheritance. Observed: 5 variant alleles.
Comment: The p.Arg123X variant in BAG3 has been identified in 4 adults with DCM and segre gated with disease in 5 affected relatives (Norton 2011, LMM data). This variant has also been identified in 2/66492 European chromosomes by the Exome Aggregati on Consortium (ExAC; dbSNP rs387906875). This no nsense variant leads to a premature termination codon at position 123, which is predicted to lead to a truncated or absent protein. Loss of function variants in BAG3 are strongly associated with DCM. In summary, although additional studies are required to fully establish its clinical significance, the p.Arg123X variant is likely pathogenic.

Clinical Genetics Service, Universitary Hospital 12 de Octubre
Classification: Pathogenic for Dilated cardiomyopathy 1HH. Review status: criteria provided, single submitter. Criteria: ACMG Guidelines, 2015. Collection method: clinical testing. Allele origin: germline. Affected: yes.

OMIM
Classification: Pathogenic for CARDIOMYOPATHY, DILATED, 1HH. Last evaluated: 2011-03-11. Review status: no assertion criteria provided. Collection method: literature only. Allele origin: germline. Not counted in ClinVar's aggregate classification.

Genomics England Pilot Project, Genomics England
Classification: Likely pathogenic for Dilated cardiomyopathy 1HH. Review status: no assertion criteria provided. Criteria: ACGS Guidelines, 2016. Collection method: clinical testing. Allele origin: germline. Affected: yes. Not counted in ClinVar's aggregate classification.

Literature cited by the submitters: PubMed 21353195 (cited by 4 submitters); PubMed 25008357 (cited by Labcorp Genetics (formerly Invitae), Labcorp and Ambry Genetics); PubMed 21459883 (cited by Ambry Genetics and Laboratory for Molecular Medicine, Mass General Brigham Personalized Medicine); PubMed 24558114 (cited by Ambry Genetics); PubMed 24623017 (cited by Ambry Genetics); PubMed 25448463 (cited by Ambry Genetics); PubMed 28436997 (cited by Ambry Genetics and Dasa); PubMed 27321750 (cited by Victorian Clinical Genetics Services, Murdoch Childrens Research Institute); PubMed 30442290 (cited by Victorian Clinical Genetics Services, Murdoch Childrens Research Institute); PubMed 33989081 (cited by Victorian Clinical Genetics Services, Murdoch Childrens Research Institute); PubMed 34935411 (cited by Victorian Clinical Genetics Services, Murdoch Childrens Research Institute); PubMed 25728519 (cited by Laboratory for Molecular Medicine, Mass General Brigham Personalized Medicine).

NM_004281.4(BAG3):c.367C>T (p.Arg123Ter)

Gene: BAG3 (BAG cochaperone 3; plus strand). Cytogenetic location: 10q26.11.
Variant type: single nucleotide variant.
Coding change: c.367C>T on transcript NM_004281.4 (MANE Select); coding-DNA position 367, C replaced by T.
Protein change: p.Arg123Ter; replaces arginine 123 with a stop codon.
Molecular consequence: nonsense.
Genome position (GRCh38, 1-based): chr10:119,670,037, C>T. VCF-style: chr10-119670037-C-T. GRCh37 (hg19) VCF-style: chr10-121429549-C-T.
Other names: short protein forms R123*.
Identifiers: ClinVar variation 30397 (VCV000030397.34), dbSNP rs387906875, ClinGen allele CA259790.